The following is an entry in ClinVar:

NM_003124.5(SPR):c.596-2A>G

Gene: SPR (sepiapterin reductase; plus strand). Cytogenetic location: 2p13.2.
Variant type: single nucleotide variant.
Coding change: c.596-2A>G on transcript NM_003124.5 (MANE Select); the canonical splice acceptor site of the intron before coding-DNA position 596, A replaced by G.
Molecular consequence: splice acceptor variant.
Genome position (GRCh38, 1-based): chr2:72,891,345, A>G. VCF-style: chr2-72891345-A-G. GRCh37 (hg19) VCF-style: chr2-73118474-A-G.
Other names: NC_000002.11:g.73118474A>G; IVS2AS, A-G, -2.
Identifiers: ClinVar variation 39869 (VCV000039869.3), dbSNP rs398122922, ClinGen allele CA343820.
Genomic context (GRCh38, chr2:72,891,345, plus strand): 5'-ACCTGAAACCTTCTGTCCCTGCCTTGGCCATGTTCCCTCATCGTCTCCTTTTCATCCTCT[A>G]GGTCCTCTGGACACAGACATGCAGCAGTTGGCCCGGGAGACCTCCGTGGACCCAGACATG-3'

ClinVar aggregate classification (germline): Pathogenic. Review status: criteria provided, single submitter (1 of 4 stars). 3 submissions from 3 submitters: Pathogenic (1). 2 of the submissions do not count toward it. Last evaluated 2025-09-05.

Conditions:
Dystonic disorder. Also called: Dystonia. Identifiers: MedGen C0013421, MONDO:0003441, HP:0001332.
Dopa-responsive dystonia due to sepiapterin reductase deficiency. Also called: SPR DEFICIENCY; Sepiapterin reductase deficiency; DYT-SPR. Identifiers: Orphanet 70594, MedGen C0268468, MONDO:0012994, OMIM 612716.

Allele frequency attached by ClinVar (database versions not stated): gnomAD exomes below 0.00001 and 0.00001; gnomAD 0.00001; TOPMed 0.00001.
gnomAD v4.1: 12 of 1,613,944 alleles (0.00074%); highest among the groups gnomAD compares: Admixed American, 0.005%; no homozygotes.

Submissions (4):

Labcorp Genetics (formerly Invitae), Labcorp
Classification: Pathogenic for Dystonic disorder. Last evaluated: 2025-09-05. Review status: criteria provided, single submitter. Criteria: Invitae Variant Classification Sherloc (09022015). Collection method: clinical testing. Allele origin: germline.
Comment: This sequence change affects an acceptor splice site in intron 2 of the SPR gene. While this variant is not anticipated to result in nonsense mediated decay, it likely alters RNA splicing and results in a disrupted protein product. This variant is present in population databases (rs398122922, gnomAD 0.006%). Disruption of this splice site has been observed in individual(s) with clinical features of autosomal recessive SPR-related conditions (PMID: 16049044). It has also been observed to segregate with disease in related individuals. ClinVar contains an entry for this variant (Variation ID: 39869). Variants that disrupt the consensus splice site are a relatively common cause of aberrant splicing (PMID: 17576681, 9536098). Algorithms developed to predict the effect of sequence changes on RNA splicing suggest that this variant may disrupt the consensus splice site. For these reasons, this variant has been classified as Pathogenic.

GeneReviews
Classification: Pathogenic for Sepiapterin reductase deficiency. Last evaluated: 2015-04-13. Review status: no assertion criteria provided. Criteria: literature only. Collection method: literature only. Allele origin: germline. Affected: yes. Not counted in ClinVar's aggregate classification.

OMIM
Classification: Pathogenic for DYSTONIA, DOPA-RESPONSIVE, DUE TO SEPIAPTERIN REDUCTASE DEFICIENCY. Last evaluated: 2005-10-01. Review status: no assertion criteria provided. Collection method: literature only. Allele origin: germline. Not counted in ClinVar's aggregate classification.

Dr. Peter K. Rogan Lab, Western University
No classification provided (evidence only). Condition: Sarcoma. Review status: no classification provided. Collection method: in vitro. Allele origin: not applicable. Functional consequence: retained intron. Not counted in ClinVar's aggregate classification.

Literature cited by the submitters: PubMed 16049044 (cited by 3 submitters); PubMed 17576681 (cited by Labcorp Genetics (formerly Invitae), Labcorp); PubMed 9536098 (cited by Labcorp Genetics (formerly Invitae), Labcorp); PubMed 22522443 (cited by GeneReviews).